The following is an entry in ClinVar:

NM_002180.3(IGHMBP2):c.451G>A (p.Ala151Thr)

Gene: IGHMBP2 (immunoglobulin mu DNA binding protein 2; plus strand). Cytogenetic location: 11q13.3.
Variant type: single nucleotide variant.
Coding change: c.451G>A on transcript NM_002180.3 (MANE Select); coding-DNA position 451, G replaced by A.
Protein change: p.Ala151Thr; replaces alanine 151 with threonine.
Molecular consequence: missense variant.
Genome position (GRCh38, 1-based): chr11:68,908,535, G>A. VCF-style: chr11-68908535-G-A. GRCh37 (hg19) VCF-style: chr11-68676003-G-A.
Other names: short protein forms A151T.
Identifiers: ClinVar variation 1063394 (VCV001063394.11), dbSNP rs536962342, ClinGen allele CA6153301.

ClinVar aggregate classification (germline): Uncertain significance. Review status: criteria provided, multiple submitters, no conflicts (2 of 4 stars). 3 submissions from 3 submitters: Uncertain significance (3). Last evaluated 2025-10-28.

Conditions:
Inborn genetic diseases. Identifiers: MedGen C0950123, MeSH D030342.
Autosomal recessive distal spinal muscular atrophy 1. Also called: Spinal muscular atrophy with respiratory distress 1; NEURONOPATHY, DISTAL HEREDITARY MOTOR, HARDING TYPE VI; NEUROPATHY, DISTAL HEREDITARY MOTOR, AUTOSOMAL RECESSIVE 1; NEURONOPATHY, SEVERE INFANTILE AXONAL, WITH RESPIRATORY FAILURE; HMN VI; SEVERE INFANTILE AXONAL NEUROPATHY WITH RESPIRATORY FAILURE. Identifiers: Orphanet 98920, MedGen C1858517, MONDO:0011436, OMIM 604320.
Charcot-Marie-Tooth disease axonal type 2S. Also called: CHARCOT-MARIE-TOOTH DISEASE, AXONAL, AUTOSOMAL RECESSIVE, TYPE 2S; CHARCOT-MARIE-TOOTH NEUROPATHY, TYPE 2S. Identifiers: Orphanet 443073, MedGen C4015349, MONDO:0014511, OMIM 616155.

Allele frequency attached by ClinVar (database versions not stated): ExAC 0.00001; gnomAD exomes 0.00001; gnomAD 0.00009; TOPMed 0.00018; 1000 Genomes Project 0.00040; 1000 Genomes Project 30x 0.00047.
gnomAD v4.1: 23 of 1,612,982 alleles (0.0014%); highest among the groups gnomAD compares: Admixed American, 0.032%; 1 homozygote.

Submissions (3):

GeneDx
Classification: Uncertain significance. Last evaluated: 2025-10-28. Review status: criteria provided, single submitter. Criteria: GeneDx Variant Classification Process June 2021. Collection method: clinical testing. Allele origin: germline. Affected: yes.
Comment: Not observed at significant frequency in large population cohorts (gnomAD); In silico analysis suggests that this missense variant does not alter protein structure/function; Has not been previously published as pathogenic or benign to our knowledge

Ambry Genetics
Classification: Uncertain significance for Inborn genetic diseases. Last evaluated: 2025-08-04. Review status: criteria provided, single submitter. Criteria: Ambry Variant Classification Scheme 2023. Collection method: clinical testing. Allele origin: germline.

Labcorp Genetics (formerly Invitae), Labcorp
Classification: Uncertain significance for Autosomal recessive distal spinal muscular atrophy 1; Charcot-Marie-Tooth disease axonal type 2S. Last evaluated: 2022-05-26. Review status: criteria provided, single submitter. Criteria: Invitae Variant Classification Sherloc (09022015). Collection method: clinical testing. Allele origin: germline.
Comment: This sequence change replaces alanine, which is neutral and non-polar, with threonine, which is neutral and polar, at codon 151 of the IGHMBP2 protein (p.Ala151Thr). This variant is present in population databases (rs536962342, gnomAD no frequency). This variant has not been reported in the literature in individuals affected with IGHMBP2-related conditions. ClinVar contains an entry for this variant (Variation ID: 1063394). Algorithms developed to predict the effect of missense changes on protein structure and function output the following: SIFT: "Tolerated"; PolyPhen-2: "Benign"; Align-GVGD: "Class C0". The threonine amino acid residue is found in multiple mammalian species, which suggests that this missense change does not adversely affect protein function. In summary, the available evidence is currently insufficient to determine the role of this variant in disease. Therefore, it has been classified as a Variant of Uncertain Significance.